The following is an entry in ClinVar:

ClinVar aggregate classification (germline): Uncertain significance (1 of 4 stars; one submission).

Allele frequency attached by ClinVar (database versions not stated): gnomAD exomes below 0.00001.

Submission:

Labcorp Genetics (formerly Invitae), Labcorp
Classification: Uncertain significance. Last evaluated: 2022-11-12. Review status: criteria provided, single submitter. Criteria: Invitae Variant Classification Sherloc (09022015). Collection method: clinical testing. Allele origin: germline.
Comment: This variant has not been reported in the literature in individuals affected with ALPK3-related conditions. Algorithms developed to predict the effect of missense changes on protein structure and function are either unavailable or do not agree on the potential impact of this missense change (SIFT: "Tolerated"; PolyPhen-2: "Probably Damaging"; Align-GVGD: "Class C0"). In summary, the available evidence is currently insufficient to determine the role of this variant in disease. Therefore, it has been classified as a Variant of Uncertain Significance. This variant is not present in population databases (gnomAD no frequency). This sequence change replaces methionine, which is neutral and non-polar, with threonine, which is neutral and polar, at codon 1679 of the ALPK3 protein (p.Met1679Thr).

NM_020778.5(ALPK3):c.4430T>C (p.Met1477Thr)

Gene: ALPK3 (alpha kinase 3; plus strand). Cytogenetic location: 15q25.3.
Variant type: single nucleotide variant.
Coding change: c.4430T>C on transcript NM_020778.5 (MANE Select); coding-DNA position 4430, T replaced by C.
Protein change: p.Met1477Thr; replaces methionine 1477 with threonine.
Molecular consequence: missense variant.
Genome position (GRCh38, 1-based): chr15:84,863,571, T>C. VCF-style: chr15-84863571-T-C. GRCh37 (hg19) VCF-style: chr15-85406802-T-C.
Other names: short protein forms M1477T.
Identifiers: ClinVar variation 2989818 (VCV002989818.3), dbSNP rs2505728377, ClinGen allele CA393363692.